The following is an entry in ClinVar:

NM_001065.4(TNFRSF1A):c.337G>A (p.Glu113Lys)

Gene: TNFRSF1A (TNF receptor superfamily member 1A; minus strand). Cytogenetic location: 12p13.31.
Variant type: single nucleotide variant.
Coding change: c.337G>A on transcript NM_001065.4 (MANE Select); coding-DNA position 337, G replaced by A.
Protein change: p.Glu113Lys; replaces glutamic acid 113 with lysine.
Molecular consequence: missense variant. On other transcripts: 5 prime UTR variant (1), non-coding transcript variant (1).
Genome position (GRCh38, 1-based): chr12:6,333,502, C>T on the plus strand (G>A on the coding strand, the complement: TNFRSF1A is on the minus strand). VCF-style: chr12-6333502-C-T. GRCh37 (hg19) VCF-style: chr12-6442668-C-T.
Other names: c.13G>A, p.Glu5Lys (NM_001346091.2); c.-241G>A (NM_001346092.2); short protein forms E113K, E5K.
Identifiers: ClinVar variation 2113294 (VCV002113294.4), dbSNP rs2497799391, ClinGen allele CA383550297.

ClinVar aggregate classification (germline): Uncertain significance (1 of 4 stars; one submission).

Conditions:
TNF receptor-associated periodic fever syndrome (TRAPS) (FPF). Also called: FAMILIAL HIBERNIAN FEVER; TNF RECEPTOR-ASSOCIATED PERIODIC SYNDROME; TUMOR NECROSIS FACTOR RECEPTOR-ASSOCIATED PERIODIC SYNDROME; TNF receptor 1-associated periodic fever syndrome; Autosomal Dominant Familial Periodic Fever; TNF Receptor-Associated Periodic Fever Syndrome. Identifiers: Orphanet 32960, MedGen C1275126, MONDO:0007727, OMIM 142680.

Allele frequency attached by ClinVar (database versions not stated): gnomAD exomes below 0.00001.
gnomAD v4.1: 2 of 1,613,000 alleles (0.00012%); highest among the groups gnomAD compares: Non-Finnish European, 0.00017%; no homozygotes.

Submission:

Labcorp Genetics (formerly Invitae), Labcorp
Classification: Uncertain significance for TNF receptor-associated periodic fever syndrome (TRAPS). Last evaluated: 2022-03-17. Review status: criteria provided, single submitter. Criteria: Invitae Variant Classification Sherloc (09022015). Collection method: clinical testing. Allele origin: germline.
Comment: In summary, the available evidence is currently insufficient to determine the role of this variant in disease. Therefore, it has been classified as a Variant of Uncertain Significance. Advanced modeling of protein sequence and biophysical properties (such as structural, functional, and spatial information, amino acid conservation, physicochemical variation, residue mobility, and thermodynamic stability) performed at Invitae indicates that this missense variant is expected to disrupt TNFRSF1A protein function. This variant has not been reported in the literature in individuals affected with TNFRSF1A-related conditions. This variant is not present in population databases (gnomAD no frequency). This sequence change replaces glutamic acid, which is acidic and polar, with lysine, which is basic and polar, at codon 113 of the TNFRSF1A protein (p.Glu113Lys).